The following is an entry in ClinVar:

ClinVar aggregate classification (germline): Uncertain significance (1 of 4 stars; one submission).

Conditions:
Myasthenic syndrome, congenital, 22 (CMS22). Also called: PREPL DEFICIENCY. Identifiers: MedGen C4479088, MONDO:0044299, OMIM 616224.

Allele frequency attached by ClinVar (database versions not stated): TOPMed below 0.00001; gnomAD exomes 0.00001; ExAC 0.00002.
gnomAD v4.1: 5 of 1,614,176 alleles (0.00031%); highest among the groups gnomAD compares: Non-Finnish European, 0.00034%; no homozygotes.

Submission:

Labcorp Genetics (formerly Invitae), Labcorp
Classification: Uncertain significance for Myasthenic syndrome, congenital, 22. Last evaluated: 2019-07-13. Review status: criteria provided, single submitter. Criteria: Invitae Variant Classification Sherloc (09022015). Collection method: clinical testing. Allele origin: germline.
Comment: This sequence change replaces leucine with valine at codon 555 of the PREPL protein (p.Leu555Val). The leucine residue is highly conserved and there is a small physicochemical difference between leucine and valine. In summary, the available evidence is currently insufficient to determine the role of this variant in disease. Therefore, it has been classified as a Variant of Uncertain Significance. Algorithms developed to predict the effect of sequence changes on RNA splicing suggest that this variant may create or strengthen a splice site, but this prediction has not been confirmed by published transcriptional studies. Algorithms developed to predict the effect of missense changes on protein structure and function (SIFT, PolyPhen-2, Align-GVGD) all suggest that this variant is likely to be tolerated, but these predictions have not been confirmed by published functional studies and their clinical significance is uncertain. This variant has not been reported in the literature in individuals with PREPL-related conditions. This variant is present in population databases (rs772025933, ExAC 0.003%).

NM_001171613.2(PREPL):c.1396C>G (p.Leu466Val)

Gene: PREPL (prolyl endopeptidase like; minus strand). Cytogenetic location: 2p21.
Variant type: single nucleotide variant.
Coding change: c.1396C>G on transcript NM_001171613.2 (MANE Select); coding-DNA position 1396, C replaced by G.
Protein change: p.Leu466Val; replaces leucine 466 with valine.
Molecular consequence: missense variant.
Genome position (GRCh38, 1-based): chr2:44,326,795, G>C on the plus strand (C>G on the coding strand, the complement: PREPL is on the minus strand). VCF-style: chr2-44326795-G-C. GRCh37 (hg19) VCF-style: chr2-44553934-G-C.
Other names: c.1477C>G, p.Leu493Val (NM_001042385.2); c.1465C>G, p.Leu489Val (NM_001042386.2); c.1663C>G, p.Leu555Val (NM_001171603.1, NM_001171606.2, NM_001374275.1 and 2 more transcripts); c.1396C>G, p.Leu466Val (NM_001171617.1, NM_001374277.1); short protein forms L489V, L493V, L466V, L555V.
Identifiers: ClinVar variation 947119 (VCV000947119.9), dbSNP rs772025933, ClinGen allele CA1641128.